The following is an entry in ClinVar:

NM_173660.5(DOK7):c.713C>T (p.Thr238Ile)

Genes: DOK7 (docking protein 7; plus strand), LOC129992118 (ATAC-STARR-seq lymphoblastoid silent region 15206; plus strand). Cytogenetic location: 4p16.3.
Variant type: single nucleotide variant.
Coding change: c.713C>T on transcript NM_173660.5 (MANE Select); coding-DNA position 713, C replaced by T.
Protein change: p.Thr238Ile; replaces threonine 238 with isoleucine.
Molecular consequence: missense variant. On other transcripts: synonymous variant (1), 5 prime UTR variant (1).
Genome position (GRCh38, 1-based): chr4:3,489,737, C>T. VCF-style: chr4-3489737-C-T. GRCh37 (hg19) VCF-style: chr4-3491464-C-T.
Other names: c.702C>T, p.Asn234= (NM_001164673.2); c.-218C>T (NM_001256896.2); c.713C>T, p.Thr238Ile (NM_001301071.2); c.281C>T, p.Thr94Ile (NM_001363811.2); short protein forms T94I, T238I.
Identifiers: ClinVar variation 1999562 (VCV001999562.4), dbSNP rs1266679231, ClinGen allele CA356115549.

ClinVar aggregate classification (germline): Uncertain significance (1 of 4 stars; one submission).

Conditions:
Fetal akinesia deformation sequence 1 (FADS1). Also called: Pena-Shokeir syndrome type I; Fetal akinesia sequence. Identifiers: Orphanet 994, MedGen C1276035, MONDO:0100101, OMIM 208150, HP:0001989.
Congenital myasthenic syndrome 10. Also called: Myasthenia, limb-girdle, familial. Identifiers: Orphanet 590, MedGen C1850792, MONDO:0009690, OMIM 254300.

Allele frequency attached by ClinVar (database versions not stated): gnomAD exomes below 0.00001.

Submission:

Labcorp Genetics (formerly Invitae), Labcorp
Classification: Uncertain significance for Congenital myasthenic syndrome 10; Fetal akinesia deformation sequence 1. Last evaluated: 2022-05-27. Review status: criteria provided, single submitter. Criteria: Invitae Variant Classification Sherloc (09022015). Collection method: clinical testing. Allele origin: germline.
Comment: This variant has not been reported in the literature in individuals affected with DOK7-related conditions. This sequence change replaces threonine, which is neutral and polar, with isoleucine, which is neutral and non-polar, at codon 238 of the DOK7 protein (p.Thr238Ile). The frequency data for this variant in the population databases is considered unreliable, as metrics indicate poor data quality at this position in the gnomAD database. Algorithms developed to predict the effect of missense changes on protein structure and function are either unavailable or do not agree on the potential impact of this missense change (SIFT: "Deleterious"; PolyPhen-2: "Benign"; Align-GVGD: "Class C0"). In summary, the available evidence is currently insufficient to determine the role of this variant in disease. Therefore, it has been classified as a Variant of Uncertain Significance.